The following is an entry in ClinVar:

NM_024675.4(PALB2):c.1296T>A (p.His432Gln)

Gene: PALB2 (partner and localizer of BRCA2; minus strand). Cytogenetic location: 16p12.2.
Variant type: single nucleotide variant.
Coding change: c.1296T>A on transcript NM_024675.4 (MANE Select); coding-DNA position 1296, T replaced by A.
Protein change: p.His432Gln; replaces histidine 432 with glutamine.
Molecular consequence: missense variant.
Genome position (GRCh38, 1-based): chr16:23,635,250, A>T on the plus strand (T>A on the coding strand, the complement: PALB2 is on the minus strand). VCF-style: chr16-23635250-A-T. GRCh37 (hg19) VCF-style: chr16-23646571-A-T.
Other names: short protein forms H432Q.
Identifiers: ClinVar variation 830134 (VCV000830134.5), dbSNP rs1567221194, ClinGen allele CA395132475.
Genomic context (GRCh38, chr16:23,635,250, plus strand): 5'-GTTTAAATTTTTACTTGCATCCTTATTTTTATTTTTAAACCCTTTTTTCTTGACATCCAA[A>T]TGACTCTGAATGACAGCCTCCACGGCTACTTTCCTCTGGCAATTGGACATGCTTCGTGTT-3'
Protein context (NP_078951.2, residues 422-442): KVAVEAVIQS[His432Gln]LDVKKKGFKN

ClinVar aggregate classification (germline): Uncertain significance. Review status: criteria provided, single submitter (1 of 4 stars). 2 submissions from 2 submitters: Uncertain significance (1). 1 of the submissions does not count toward it. Last evaluated 2022-01-10.

Conditions:
Familial cancer of breast. Also called: BREAST CANCER, FAMILIAL; Hereditary breast cancer; hereditary breast carcinoma. Identifiers: Orphanet 227535, MedGen C0346153, MONDO:0016419, OMIM 114480. Disease mechanism: loss of function.

Submissions (2):

Labcorp Genetics (formerly Invitae), Labcorp
Classification: Uncertain significance for Familial cancer of breast. Last evaluated: 2022-01-10. Review status: criteria provided, single submitter. Criteria: Invitae Variant Classification Sherloc (09022015). Collection method: clinical testing. Allele origin: germline.
Comment: In summary, the available evidence is currently insufficient to determine the role of this variant in disease. Therefore, it has been classified as a Variant of Uncertain Significance. Algorithms developed to predict the effect of missense changes on protein structure and function output the following: SIFT: "Tolerated"; PolyPhen-2: "Possibly Damaging"; Align-GVGD: "Class C0". The glutamine amino acid residue is found in multiple mammalian species, which suggests that this missense change does not adversely affect protein function. ClinVar contains an entry for this variant (Variation ID: 830134). This variant has not been reported in the literature in individuals affected with PALB2-related conditions. This variant is not present in population databases (gnomAD no frequency). This sequence change replaces histidine, which is basic and polar, with glutamine, which is neutral and polar, at codon 432 of the PALB2 protein (p.His432Gln).

Leiden Open Variation Database
Classification: Uncertain significance. Last evaluated: 2018-10-10. Review status: no assertion criteria provided. Collection method: curation. Allele origin: germline. Affected: yes. Not counted in ClinVar's aggregate classification.
Comment: Curators: Marc Tischkowitz, Arleen D. Auerbach. Submitter to LOVD: Yukihide Momozawa.

Literature cited by the submitters: PubMed 30287823 (cited by Leiden Open Variation Database).